The following is an entry in ClinVar:

ClinVar aggregate classification (germline): Uncertain significance (1 of 4 stars; one submission).

Conditions:
Short stature with nonspecific skeletal abnormalities 1 (SNSK1). Identifiers: MedGen CN379227, MONDO:0014551, OMIM 616255.
Acromesomelic dysplasia 1, Maroteaux type (AMD1). Also called: ACROMESOMELIC DYSPLASIA 1; ST. HELENA DYSPLASIA. Identifiers: Orphanet 40, MedGen C1864356, MONDO:0011275, OMIM 602875.
Tall stature-scoliosis-macrodactyly of the great toes syndrome. Also called: Epiphyseal chondrodysplasia, miura type. Identifiers: Orphanet 329191, MedGen C4014690, MONDO:0014401, OMIM 615923.

gnomAD v4.1: 1 of 1,613,896 alleles (0.000062%); highest among the groups gnomAD compares: East Asian, 0.0022%; no homozygotes.

Submission:

Juno Genomics, Hangzhou Juno Genomics, Inc
Classification: Uncertain significance for Acromesomelic dysplasia 1, Maroteaux type; Tall stature-scoliosis-macrodactyly of the great toes syndrome; Short stature with nonspecific skeletal abnormalities 1. Review status: criteria provided, single submitter. Criteria: ACMG Guidelines, 2015. Collection method: clinical testing. Allele origin: germline.
Comment: Absent from controls (or at extremely low frequency if recessive) in Genome Aggregation Database.;Missense variant in a gene that has a low rate of benign missense variation.

NM_003995.4(NPR2):c.1196A>G (p.Asp399Gly)

Gene: NPR2 (natriuretic peptide receptor 2; plus strand). Cytogenetic location: 9p13.3.
Variant type: single nucleotide variant.
Coding change: c.1196A>G on transcript NM_003995.4 (MANE Select); coding-DNA position 1196, A replaced by G.
Protein change: p.Asp399Gly; replaces aspartic acid 399 with glycine.
Molecular consequence: missense variant.
Genome position (GRCh38, 1-based): chr9:35,800,461, A>G. VCF-style: chr9-35800461-A-G. GRCh37 (hg19) VCF-style: chr9-35800458-A-G.
Other names: c.1196A>G, p.Asp399Gly (NM_001378923.1); short protein forms D399G.
Identifiers: ClinVar variation 5019228 (VCV005019228.2).